The following is an entry in ClinVar:

ClinVar aggregate classification (germline): Likely benign. Review status: criteria provided, multiple submitters, no conflicts (2 of 4 stars). 3 submissions from 3 submitters: Likely benign (2). 1 of the submissions does not count toward it. Last evaluated 2024-11-09.

Conditions:
COG7 congenital disorder of glycosylation (CDG2E). Also called: CONGENITAL DISORDER OF GLYCOSYLATION, TYPE IIe; CDG IIe. Identifiers: Orphanet 79333, MedGen C2931010, MONDO:0012118, OMIM 608779.
COG7-related disorder. Also called: COG7-related condition.

Allele frequency attached by ClinVar (database versions not stated): ExAC 0.00001; gnomAD exomes 0.00001 and 0.00002; TOPMed 0.00002; gnomAD 0.00003.
gnomAD v4.1: 30 of 1,354,732 alleles (0.0022%); highest among the groups gnomAD compares: African/African-American, 0.0043%; no homozygotes.

Submissions (3):

Labcorp Genetics (formerly Invitae), Labcorp
Classification: Likely benign for COG7 congenital disorder of glycosylation. Last evaluated: 2024-11-09. Review status: criteria provided, single submitter. Criteria: Invitae Variant Classification Sherloc (09022015). Collection method: clinical testing. Allele origin: germline.

GeneDx
Classification: Likely benign. Last evaluated: 2017-06-30. Review status: criteria provided, single submitter. Criteria: GeneDx Variant Classification (06012015). Collection method: clinical testing. Allele origin: germline. Affected: yes.
Comment: This variant is considered likely benign or benign based on one or more of the following criteria: it is a conservative change, it occurs at a poorly conserved position in the protein, it is predicted to be benign by multiple in silico algorithms, and/or has population frequency not consistent with disease.

PreventionGenetics, part of Exact Sciences
Classification: Likely benign for COG7-related condition. Last evaluated: 2020-03-03. Review status: no assertion criteria provided. Collection method: clinical testing. Allele origin: germline. Not counted in ClinVar's aggregate classification.
Comment: This variant is classified as likely benign based on ACMG/AMP sequence variant interpretation guidelines (Richards et al. 2015 PMID: 25741868, with internal and published modifications).

NM_153603.4(COG7):c.1409+8G>A

Gene: COG7 (component of oligomeric golgi complex 7; minus strand). Cytogenetic location: 16p12.2.
Variant type: single nucleotide variant.
Coding change: c.1409+8G>A on transcript NM_153603.4 (MANE Select); 8 bases into the intron after coding-DNA position 1409, G replaced by A.
Molecular consequence: intron variant.
Genome position (GRCh38, 1-based): chr16:23,413,440, C>T on the plus strand (G>A on the coding strand, the complement: COG7 is on the minus strand). VCF-style: chr16-23413440-C-T. GRCh37 (hg19) VCF-style: chr16-23424761-C-T.
Identifiers: ClinVar variation 510488 (VCV000510488.7), dbSNP rs776496345, ClinGen allele CA7960996.
Genomic context (GRCh38, chr16:23,413,440, plus strand): 5'-TATACTATATCATGCATGTTTATGCTGGCTACATTAGGAACAAGCTTGAATTACAACCCC[C>T]GGTTTACCTAATGGAGTTCTGAAAAGCCGTCCAATCTTCCTGGAAGAGGGAGTTGGGAGG-3'